The following is an entry in ClinVar:

NM_003073.5(SMARCB1):c.71A>C (p.Glu24Ala)

Gene: SMARCB1 (SWI/SNF related BAF chromatin remodeling complex subunit B1; plus strand). Cytogenetic location: 22q11.23.
Variant type: single nucleotide variant.
Coding change: c.71A>C on transcript NM_003073.5 (MANE Select); coding-DNA position 71, A replaced by C.
Protein change: p.Glu24Ala; replaces glutamic acid 24 with alanine.
Molecular consequence: missense variant.
Genome position (GRCh38, 1-based): chr22:23,787,240, A>C. VCF-style: chr22-23787240-A-C. GRCh37 (hg19) VCF-style: chr22-24129427-A-C.
Other names: c.71A>C, p.Glu24Ala (NM_001007468.3, NM_001317946.2, NM_001362877.2); short protein forms E24A.
Identifiers: ClinVar variation 1059096 (VCV001059096.11), dbSNP rs2145952118, ClinGen allele CA410930865.
Genomic context (GRCh38, chr22:23,787,240, plus strand): 5'-TGGCGCTGAGCAAGACCTTCGGGCAGAAGCCCGTGAAGTTCCAGCTGGAGGACGACGGCG[A>C]GTTCTACATGATCGGCTCCGAGGTAGCCCGGGGCGCGTTCTCGCCCTCCCCGGGCTCGGC-3'
Protein context (NP_003064.2, residues 14-34): PVKFQLEDDG[Glu24Ala]FYMIGSEVGN

ClinVar aggregate classification (germline): Uncertain significance. Review status: criteria provided, multiple submitters, no conflicts (2 of 4 stars). 2 submissions from 2 submitters: Uncertain significance (2). Last evaluated 2024-12-21.

Conditions:
Hereditary cancer-predisposing syndrome. Also called: Neoplastic Syndromes, Hereditary; Hereditary Cancer Syndrome; Hereditary neoplastic syndrome; Tumor predisposition. Identifiers: Orphanet 140162, MedGen C0027672, MeSH D009386, MONDO:0015356.

Submissions (2):

Labcorp Genetics (formerly Invitae), Labcorp
Classification: Uncertain significance. Last evaluated: 2024-12-21. Review status: criteria provided, single submitter. Criteria: Invitae Variant Classification Sherloc (09022015). Collection method: clinical testing. Allele origin: germline.
Comment: This sequence change replaces glutamic acid, which is acidic and polar, with alanine, which is neutral and non-polar, at codon 24 of the SMARCB1 protein (p.Glu24Ala). This variant is not present in population databases (gnomAD no frequency). This variant has not been reported in the literature in individuals affected with SMARCB1-related conditions. ClinVar contains an entry for this variant (Variation ID: 1059096). An algorithm developed to predict the effect of missense changes on protein structure and function (PolyPhen-2) suggests that this variant is likely to be tolerated. In summary, the available evidence is currently insufficient to determine the role of this variant in disease. Therefore, it has been classified as a Variant of Uncertain Significance.

Ambry Genetics
Classification: Uncertain significance for Hereditary cancer-predisposing syndrome. Last evaluated: 2021-01-04. Review status: criteria provided, single submitter. Criteria: Ambry Variant Classification Scheme 2023. Collection method: clinical testing. Allele origin: germline.
Comment: The p.E24A variant (also known as c.71A>C), located in coding exon 1 of the SMARCB1 gene, results from an A to C substitution at nucleotide position 71. The glutamic acid at codon 24 is replaced by alanine, an amino acid with dissimilar properties. This amino acid position is not well conserved in available vertebrate species. In addition, the in silico prediction for this alteration is inconclusive. Missense and in-frame variants in SMARCB1 are known to cause neurodevelopmental disorders; however, such associations with rhabdoid tumor predisposition syndrome are exceedingly rare (Kosho T et al. Am J Med Genet C Semin Med Genet. 2014 Sep;166C(3):262-75; Eaton KW et al. Pediatr Blood Cancer. 2011 Jan;56(1):7-15). Based on the supporting evidence, the association of this alteration with Coffin-Siris syndrome is unknown; however, the association of this alteration with rhabdoid tumor predisposition syndrome is unlikely.